The following is an entry in ClinVar:

NM_025000.4(DCAF17):c.322-14_322-11del

Gene: DCAF17 (DDB1 and CUL4 associated factor 17; plus strand). Cytogenetic location: 2q31.1.
Variant type: Deletion.
Coding change: c.322-14_322-11del on transcript NM_025000.4 (MANE Select); 14 bases into the intron before coding-DNA position 322 through 11 bases into the intron before coding-DNA position 322, 4 bases deleted (CTTT; older notation c.322-14_322-11delCTTT).
Molecular consequence: intron variant.
Genome position (GRCh38, 1-based): chr2:171,448,667-171,448,670, CTTT deleted; deleting any 4 consecutive bases within chr2:171,448,666-171,448,670 gives the same sequence; the c. name uses the placement nearest the transcript's 3' end. VCF-style (leftmost placement, unchanged base first): chr2-171448665-CTCTT-C. GRCh37 (hg19) VCF-style: chr2-172305175-CTCTT-C.
Other names: c.322-14_322-11del (NM_001164821.2).
Identifiers: ClinVar variation 1644544 (VCV001644544.9), dbSNP rs753818890, ClinGen allele CA1964633.

ClinVar aggregate classification (germline): Benign/Likely benign. Review status: criteria provided, multiple submitters, no conflicts (2 of 4 stars). 2 submissions from 2 submitters: Benign (1); Likely benign (1). Last evaluated 2025-05-17.

Conditions:
Woodhouse-Sakati syndrome. Also called: EXTRAPYRAMIDAL DISORDER, PROGRESSIVE, WITH PRIMARY HYPOGONADISM, MENTAL RETARDATION, AND ALOPECIA; Hypogonadism, Alopecia, Diabetes Mellitus, Mental Retardation, and Extrapyramidal Syndrome; Hypogonadism, diabetes mellitus, alopecia, mental retardation and electrocardiographic abnormalities. Identifiers: Orphanet 3464, MedGen C0342286, MONDO:0009419, OMIM 241080.

Submissions (2):

Labcorp Genetics (formerly Invitae), Labcorp
Classification: Likely benign for Woodhouse-Sakati syndrome. Last evaluated: 2025-05-17. Review status: criteria provided, single submitter. Criteria: Invitae Variant Classification Sherloc (09022015). Collection method: clinical testing. Allele origin: germline.

Women's Health and Genetics/Laboratory Corporation of America, LabCorp
Classification: Benign. Last evaluated: 2022-05-24. Review status: criteria provided, single submitter. Criteria: LabCorp Variant Classification Summary - May 2015. Collection method: clinical testing. Allele origin: germline.
Comment: Variant summary: DCAF17 c.322-14_322-11delCTTT alters a nucleotide located close to a canonical splice site and therefore could affect mRNA splicing, leading to a significantly altered protein sequence. 4/4 computational tools predict no significant impact on normal splicing, however, these predictions have yet to be confirmed by functional studies. The variant allele was found at a frequency of 0.00013 in 222684 control chromosomes (gnomAD), predominantly at a frequency of 0.0013 within the African or African-American subpopulation in the gnomAD database. The observed variant frequency within African or African-American control individuals in the gnomAD database is approximately 7 fold of the estimated maximal expected allele frequency for a pathogenic variant in DCAF17 causing Neurodegeneration With Brain Iron Accumulation phenotype (0.00019), strongly suggesting that the variant is a benign polymorphism found primarily in populations of African or African-American origin. To our knowledge, no occurrence of c.322-14_322-11delCTTT in individuals affected with Neurodegeneration With Brain Iron Accumulation and no experimental evidence demonstrating its impact on protein function have been reported. One ClinVar submitter has assessed the variant since 2014: the variant was classified as likely benign. Based on the evidence outlined above, the variant was classified as benign.